The following is an entry in ClinVar:

ClinVar aggregate classification (germline): Likely pathogenic (1 of 4 stars; one submission).

Conditions:
Dilated cardiomyopathy 1G (CMD1G). Identifiers: Orphanet 154, MedGen C1858763, MONDO:0011400, OMIM 604145.

Submission:

Baylor Genetics
Classification: Likely pathogenic for Dilated cardiomyopathy 1G. Last evaluated: 2020-04-17. Review status: criteria provided, single submitter. Criteria: ACMG Guidelines, 2015. Collection method: clinical testing. Allele origin: unknown. Affected: yes.
Comment: This variant was determined to be likely pathogenic according to ACMG Guidelines, 2015 [PMID:25741868].

NM_001267550.2(TTN):c.10115-1G>C

Gene: TTN (titin; minus strand). Cytogenetic location: 2q31.2.
Variant type: single nucleotide variant.
Coding change: c.10115-1G>C on transcript NM_001267550.2 (MANE Select); the canonical splice acceptor site of the intron before coding-DNA position 10115, G replaced by C.
Molecular consequence: splice acceptor variant.
Genome position (GRCh38, 1-based): chr2:178,759,173, C>G on the plus strand (G>C on the coding strand, the complement: TTN is on the minus strand). VCF-style: chr2-178759173-C-G. GRCh37 (hg19) VCF-style: chr2-179623900-C-G.
Other names: c.9977-1G>C (NM_003319.4, NM_133437.4, NM_133432.3); c.10115-1G>C (NM_133378.4, NM_001256850.1, NM_133379.5).
Identifiers: ClinVar variation 1029072 (VCV001029072.1), dbSNP rs2088245783, ClinGen allele CA349673682.